The following is an entry in ClinVar:

NM_031935.3(HMCN1):c.15194A>G (p.Glu5065Gly)

Gene: HMCN1 (hemicentin 1; plus strand). Cytogenetic location: 1q31.1.
Variant type: single nucleotide variant.
Coding change: c.15194A>G on transcript NM_031935.3 (MANE Select); coding-DNA position 15194, A replaced by G.
Protein change: p.Glu5065Gly; replaces glutamic acid 5065 with glycine.
Molecular consequence: missense variant.
Genome position (GRCh38, 1-based): chr1:186,153,925, A>G. VCF-style: chr1-186153925-A-G. GRCh37 (hg19) VCF-style: chr1-186123057-A-G.
Other names: short protein forms E5065G.
Identifiers: ClinVar variation 2427886 (VCV002427886.6), dbSNP rs924117423, ClinGen allele CA33483532.

ClinVar aggregate classification (germline): Uncertain significance (1 of 4 stars; one submission).

Allele frequency attached by ClinVar (database versions not stated): gnomAD 0.00001; gnomAD exomes 0.00002; TOPMed 0.00002.
gnomAD v4.1: 32 of 1,614,072 alleles (0.002%); highest among the groups gnomAD compares: Non-Finnish European, 0.0027%; no homozygotes.

Submission:

Labcorp Genetics (formerly Invitae), Labcorp
Classification: Uncertain significance. Last evaluated: 2025-10-28. Review status: criteria provided, single submitter. Criteria: Invitae Variant Classification Sherloc (09022015). Collection method: clinical testing. Allele origin: germline.
Comment: This sequence change replaces glutamic acid, which is acidic and polar, with glycine, which is neutral and non-polar, at codon 5065 of the HMCN1 protein (p.Glu5065Gly). This variant is present in population databases (no rsID available, gnomAD 0.002%). This variant has not been reported in the literature in individuals affected with HMCN1-related conditions. ClinVar contains an entry for this variant (Variation ID: 2427886). An algorithm developed to predict the effect of missense changes on protein structure and function (PolyPhen-2) suggests that this variant is likely to be disruptive. In summary, the available evidence is currently insufficient to determine the role of this variant in disease. Therefore, it has been classified as a Variant of Uncertain Significance.